The following is an entry in ClinVar:

NM_002691.4(POLD1):c.2300C>T (p.Ser767Leu)

Gene: POLD1 (DNA polymerase delta 1, catalytic subunit; plus strand). Cytogenetic location: 19q13.33.
Variant type: single nucleotide variant.
Coding change: c.2300C>T on transcript NM_002691.4 (MANE Select); coding-DNA position 2300, C replaced by T.
Protein change: p.Ser767Leu; replaces serine 767 with leucine.
Molecular consequence: missense variant. On other transcripts: non-coding transcript variant (1).
Genome position (GRCh38, 1-based): chr19:50,413,791, C>T. VCF-style: chr19-50413791-C-T. GRCh37 (hg19) VCF-style: chr19-50917048-C-T.
Other names: c.2300C>T, p.Ser767Leu (NM_001256849.1); c.2378C>T, p.Ser793Leu (NM_001308632.1); short protein forms S767L, S793L.
Identifiers: ClinVar variation 422094 (VCV000422094.48), dbSNP rs556196668, ClinGen allele CA9596478.

ClinVar aggregate classification (germline): Conflicting classifications of pathogenicity. Review status: criteria provided, conflicting classifications (1 of 4 stars). 5 submissions from 5 submitters: Uncertain significance (4); Likely benign (1). Last evaluated 2026-01-21.

Conditions:
Hereditary cancer-predisposing syndrome. Also called: Tumor predisposition; Hereditary neoplastic syndrome; Hereditary Cancer Syndrome; Neoplastic Syndromes, Hereditary. Identifiers: Orphanet 140162, MedGen C0027672, MeSH D009386, MONDO:0015356.
POLD1-related polyposis and colorectal cancer syndrome (CRCS10). Also called: COLORECTAL CANCER, SUSCEPTIBILITY TO, ON CHROMOSOME 19q; Colorectal cancer 10; Colorectal cancer, susceptibility to, 10. Identifiers: Orphanet 220460, MedGen C2675481, MONDO:0012953, OMIM 612591.

Allele frequency attached by ClinVar (database versions not stated): gnomAD 0.00001; gnomAD exomes 0.00001; ExAC 0.00002; TOPMed 0.00002; 1000 Genomes Project 30x 0.00016; 1000 Genomes Project 0.00020.
gnomAD v4.1: 23 of 1,612,268 alleles (0.0014%); highest among the groups gnomAD compares: Admixed American, 0.0033%; no homozygotes.

Submissions (5):

Labcorp Genetics (formerly Invitae), Labcorp
Classification: Uncertain significance for POLD1-related polyposis and colorectal cancer syndrome. Last evaluated: 2026-01-21. Review status: criteria provided, single submitter. Criteria: Invitae Variant Classification Sherloc (09022015). Collection method: clinical testing. Allele origin: germline.
Comment: This sequence change replaces serine, which is neutral and polar, with leucine, which is neutral and non-polar, at codon 767 of the POLD1 protein (p.Ser767Leu). This variant is present in population databases (rs556196668, gnomAD 0.007%). This variant has not been reported in the literature in individuals affected with POLD1-related conditions. ClinVar contains an entry for this variant (Variation ID: 422094). Invitae Evidence Modeling of protein sequence and biophysical properties (such as structural, functional, and spatial information, amino acid conservation, physicochemical variation, residue mobility, and thermodynamic stability) indicates that this missense variant is not expected to disrupt POLD1 protein function with a negative predictive value of 80%. In summary, the available evidence is currently insufficient to determine the role of this variant in disease. Therefore, it has been classified as a Variant of Uncertain Significance.

Center for Genomic Medicine, Rigshospitalet, Copenhagen University Hospital
Classification: Uncertain significance. Last evaluated: 2025-03-04. Review status: criteria provided, single submitter. Criteria: ACMG Guidelines, 2015. Collection method: clinical testing. Allele origin: germline.
Comment: Classification criteria: BP4_moderate

GeneDx
Classification: Uncertain significance. Last evaluated: 2025-01-27. Review status: criteria provided, single submitter. Criteria: GeneDx Variant Classification Process June 2021. Collection method: clinical testing. Allele origin: germline. Affected: yes.
Comment: Not observed at significant frequency in large population cohorts (gnomAD); In silico analysis supports that this missense variant has a deleterious effect on protein structure/function; Has not been previously published as pathogenic or benign to our knowledge; This variant is associated with the following publications: (PMID: 29056344, 20951805)

Ambry Genetics
Classification: Likely benign for Hereditary cancer-predisposing syndrome. Last evaluated: 2025-01-21. Review status: criteria provided, single submitter. Criteria: Ambry Variant Classification Scheme 2023. Collection method: clinical testing. Allele origin: germline.

CeGaT Center for Human Genetics Tuebingen
Classification: Uncertain significance. Last evaluated: 2024-04-01. Review status: criteria provided, single submitter. Criteria: CeGaT Center For Human Genetics Tuebingen Variant Classification Criteria Version 2. Collection method: clinical testing. Allele origin: germline. Affected: yes. Observed: 1 variant allele.
Comment: POLD1: PM2